The following is an entry in ClinVar:

ClinVar aggregate classification (germline): Uncertain significance (1 of 4 stars; one submission).

Conditions:
Familial acute necrotizing encephalopathy (IIAE3). Also called: ENCEPHALOPATHY, ACUTE, INFECTION-INDUCED, SUSCEPTIBILITY TO, 3; Susceptibility to Acute Necrotizing Encephalopathy 1. Identifiers: Orphanet 88619, MedGen C2675556, MONDO:0011953, OMIM 608033.

Allele frequency attached by ClinVar (database versions not stated): TOPMed below 0.00001; gnomAD 0.00001; gnomAD exomes 0.00001.
gnomAD v4.1: 6 of 1,611,634 alleles (0.00037%); highest among the groups gnomAD compares: Admixed American, 0.0067%; no homozygotes.

Submission:

Labcorp Genetics (formerly Invitae), Labcorp
Classification: Uncertain significance for Familial acute necrotizing encephalopathy. Last evaluated: 2025-05-27. Review status: criteria provided, single submitter. Criteria: Invitae Variant Classification Sherloc (09022015). Collection method: clinical testing. Allele origin: germline.
Comment: This sequence change replaces tyrosine, which is neutral and polar, with histidine, which is basic and polar, at codon 680 of the RANBP2 protein (p.Tyr680His). This variant is present in population databases (no rsID available, gnomAD 0.01%). This variant has not been reported in the literature in individuals affected with RANBP2-related conditions. ClinVar contains an entry for this variant (Variation ID: 943807). An algorithm developed to predict the effect of missense changes on protein structure and function (PolyPhen-2) suggests that this variant is likely to be tolerated. In summary, the available evidence is currently insufficient to determine the role of this variant in disease. Therefore, it has been classified as a Variant of Uncertain Significance.

NM_006267.5(RANBP2):c.2038T>C (p.Tyr680His)

Gene: RANBP2 (RAN binding protein 2; plus strand). Cytogenetic location: 2q13.
Variant type: single nucleotide variant.
Coding change: c.2038T>C on transcript NM_006267.5 (MANE Select); coding-DNA position 2038, T replaced by C.
Protein change: p.Tyr680His; replaces tyrosine 680 with histidine.
Molecular consequence: missense variant.
Genome position (GRCh38, 1-based): chr2:108,753,546, T>C. VCF-style: chr2-108753546-T-C. GRCh37 (hg19) VCF-style: chr2-109370002-T-C.
Other names: short protein forms Y680H.
Identifiers: ClinVar variation 943807 (VCV000943807.7), dbSNP rs1201175872, ClinGen allele CA348053719.